The following is an entry in ClinVar:

ClinVar aggregate classification (germline): Likely benign. Review status: criteria provided, multiple submitters, no conflicts (2 of 4 stars). 2 submissions from 2 submitters: Likely benign (2). Last evaluated 2022-12-01.

Conditions:
Focal segmental glomerulosclerosis 5 (FSGS5). Identifiers: Orphanet 656, MedGen C2750475, MONDO:0013191, OMIM 613237.
Charcot-Marie-Tooth disease dominant intermediate E. Also called: CHARCOT-MARIE-TOOTH NEUROPATHY WITH FOCAL SEGMENTAL GLOMERULONEPHRITIS. Identifiers: Orphanet 93114, MedGen C4302667, MONDO:0013758, OMIM 614455.

Allele frequency attached by ClinVar (database versions not stated): gnomAD exomes 0.00001; TOPMed 0.00002; ExAC 0.00004.
gnomAD v4.1: 9 of 1,565,458 alleles (0.00057%); highest among the groups gnomAD compares: East Asian, 0.0072%; no homozygotes.

Submissions (2):

CeGaT Center for Human Genetics Tuebingen
Classification: Likely benign. Last evaluated: 2022-12-01. Review status: criteria provided, single submitter. Criteria: CeGaT Center For Human Genetics Tuebingen Variant Classification Criteria Version 2. Collection method: clinical testing. Allele origin: germline. Affected: yes. Observed: 1 variant allele.
Comment: INF2: BP4, BP7

Labcorp Genetics (formerly Invitae), Labcorp
Classification: Likely benign for Charcot-Marie-Tooth disease dominant intermediate E; Focal segmental glomerulosclerosis 5. Last evaluated: 2022-03-26. Review status: criteria provided, single submitter. Criteria: Invitae Variant Classification Sherloc (09022015). Collection method: clinical testing. Allele origin: germline.

NM_022489.4(INF2):c.2397G>A (p.Thr799=)

Gene: INF2 (inverted formin 2; plus strand). Cytogenetic location: 14q32.33.
Variant type: single nucleotide variant.
Coding change: c.2397G>A on transcript NM_022489.4 (MANE Select); coding-DNA position 2397, G replaced by A.
Protein change: p.Thr799=; no amino-acid change (threonine 799 retained).
Molecular consequence: synonymous variant.
Genome position (GRCh38, 1-based): chr14:104,711,165, G>A. VCF-style: chr14-104711165-G-A. GRCh37 (hg19) VCF-style: chr14-105177502-G-A.
Other names: c.2397G>A, p.Thr799= (NM_001031714.4).
Identifiers: ClinVar variation 2420624 (VCV002420624.31), dbSNP rs757862665, ClinGen allele CA7372902.